The following is an entry in ClinVar:

ClinVar aggregate classification (germline): Uncertain significance (1 of 4 stars; one submission).

Conditions:
Junctional epidermolysis bullosa. Identifiers: Orphanet 305, MedGen C0079301, MONDO:0017612.

Submission:

Myriad Genetics, Inc.
Classification: Uncertain significance for Junctional epidermolysis bullosa. Last evaluated: 2026-06-27. Review status: criteria provided, single submitter. Criteria: Myriad Autosomal Dominant, Autosomal Recessive and X-Linked Classification Criteria (2023). Collection method: clinical testing. Allele origin: unknown.
Comment: NM_000227.3(LAMA3):c.1009+1G>A is a variant in a canonical splice site classified as a variant of uncertain significance in the context of junctional epidermolysis bullosa, LAMA3-related. c.1009+1G>A has not been observed in cases with relevant disease. Relevant functional assessments of this variant are not available in the literature. c.1009+1G>A has not been observed in referenced population frequency databases. In summary, there is insufficient evidence to classify NM_000227.3(LAMA3):c.1009+1G>A as pathogenic or benign. Please note: this variant was assessed in the context of healthy population screening.

NM_198129.4(LAMA3):c.5836+1G>A

Gene: LAMA3 (laminin subunit alpha 3; plus strand). Cytogenetic location: 18q11.2.
Variant type: single nucleotide variant.
Coding change: c.5836+1G>A on transcript NM_198129.4 (MANE Select); the canonical splice donor site of the intron after coding-DNA position 5836, G replaced by A.
Molecular consequence: splice donor variant.
Genome position (GRCh38, 1-based): chr18:23,899,066, G>A. VCF-style: chr18-23899066-G-A. GRCh37 (hg19) VCF-style: chr18-21479030-G-A.
Other names: c.5836+1G>A (NM_001127717.4); c.1009+1G>A (NM_000227.6, NM_001127718.4).
Identifiers: ClinVar variation 5004758 (VCV005004758.1).
Genomic context (GRCh38, chr18:23,899,066, plus strand): 5'-CAACACAAAGCGCAAAAGAACTGGATGTGAAGATTAAAAATGTCATCCGGAATGTGCACA[G>A]TAAGAAGAGTTATTAAGCCCAATTACATTTTTTTTGGTTACATAACCTTCATTGTACACT-3'